The following is an entry in ClinVar:

NM_015231.3(NUP160):c.2088C>T (p.Ile696=)

Gene: NUP160 (nucleoporin 160; minus strand). Cytogenetic location: 11p11.2.
Variant type: single nucleotide variant.
Coding change: c.2088C>T on transcript NM_015231.3 (MANE Select); coding-DNA position 2088, C replaced by T.
Protein change: p.Ile696=; no amino-acid change (isoleucine 696 retained).
Molecular consequence: synonymous variant. On other transcripts: non-coding transcript variant (1).
Genome position (GRCh38, 1-based): chr11:47,812,115, G>A on the plus strand (C>T on the coding strand, the complement: NUP160 is on the minus strand). VCF-style: chr11-47812115-G-A. GRCh37 (hg19) VCF-style: chr11-47833667-G-A.
Other names: p.Ile730=.
Identifiers: ClinVar variation 4683621 (VCV004683621.1).
Genomic context (GRCh38, chr11:47,812,115, plus strand): 5'-AGTACTTACAGCATCTCCAAGCCTCATTAACAGCTGCTGTAAGATCAAAAGATCTCTGCA[G>A]ATCAGGAAACGAGTACTGGCGATTTTATGCACCCCTCTGCACACAATATACCCTGCTGTG-3'
Protein context (NP_056046.2, residues 686-706): VHKIASTRFL[Ile696=]CRDLLILQQL

ClinVar aggregate classification (germline): Likely benign (1 of 4 stars; one submission).

gnomAD v4.1: 1 of 1,614,114 alleles (0.000062%); highest among the groups gnomAD compares: Non-Finnish European, 0.000085%; no homozygotes.

Submission:

Mayo Clinic Laboratories, Mayo Clinic
Classification: Likely benign. Last evaluated: 2025-12-18. Review status: criteria provided, single submitter. Criteria: ACMG Guidelines, 2015. Collection method: clinical testing. Allele origin: germline. Observed: 1 variant allele.
Comment: BP4, BP7